The following is an entry in ClinVar:

ClinVar aggregate classification (germline): Uncertain significance (1 of 4 stars; one submission).

Submission:

Quest Diagnostics Nichols Institute San Juan Capistrano
Classification: Uncertain significance. Last evaluated: 2024-09-18. Review status: criteria provided, single submitter. Criteria: Quest Diagnostics criteria. Collection method: clinical testing. Allele origin: unknown.
Comment: The MUTYH c.159C>G (p.Ala53=) synonymous variant has not been reported in individuals with MUTYH-related conditions in the published literature. It also has not been reported in large, multi-ethnic general populations (Genome Aggregation Database). Analysis of this variant using software algorithms for the prediction of the effect of nucleotide changes on MUTYH mRNA splicing yielded inconclusive findings. Based on the available information, we are unable to determine the clinical significance of this variant.

NM_001128425.2(MUTYH):c.159C>G (p.Ala53=)

Gene: MUTYH (mutY DNA glycosylase; minus strand). Cytogenetic location: 1p34.1.
Variant type: single nucleotide variant.
Coding change: c.159C>G on transcript NM_001128425.2 (MANE Plus Clinical); coding-DNA position 159, C replaced by G.
Protein change: p.Ala53=; no amino-acid change (alanine 53 retained).
Molecular consequence: synonymous variant. On other transcripts: 5 prime UTR variant (1), intron variant (28).
Genome position (GRCh38, 1-based): chr1:45,333,602, G>C on the plus strand (C>G on the coding strand, the complement: MUTYH is on the minus strand). VCF-style: chr1-45333602-G-C. GRCh37 (hg19) VCF-style: chr1-45799274-G-C.
Other names: c.-10C>G (NM_001407075.1); c.117C>G, p.Ala39= (NM_001407083.1, NM_001407085.1); c.116-41C>G (NM_001407072.1, NM_001048171.2, NM_001407070.1 and 7 more transcripts); c.-92-105C>G (NM_001350651.2, NM_001407082.1); c.-97-105C>G (NM_001293192.2, NM_001293196.2, NM_001407091.1); c.-156-41C>G (NM_001350650.2); c.158-41C>G (NM_001407073.1); c.158-38C>G (NM_001293190.2); and 4 more.
Identifiers: ClinVar variation 3572201 (VCV003572201.1).